The following is an entry in ClinVar:

NM_001903.5(CTNNA1):c.284A>T (p.Glu95Val)

Gene: CTNNA1 (catenin alpha 1; plus strand). Cytogenetic location: 5q31.2.
Variant type: single nucleotide variant.
Coding change: c.284A>T on transcript NM_001903.5 (MANE Select); coding-DNA position 284, A replaced by T.
Protein change: p.Glu95Val; replaces glutamic acid 95 with valine.
Molecular consequence: missense variant. On other transcripts: intron variant (2).
Genome position (GRCh38, 1-based): chr5:138,783,355, A>T. VCF-style: chr5-138783355-A-T. GRCh37 (hg19) VCF-style: chr5-138119044-A-T.
Other names: c.284A>T, p.Glu95Val (NM_001290307.3, NM_001323982.2, NM_001323983.1 and 3 more transcripts); c.-6+83A>T (NM_001290310.3); c.-9+1326A>T (NM_001290309.3); short protein forms E95V.
Identifiers: ClinVar variation 1363983 (VCV001363983.8), dbSNP rs1755342562, ClinGen allele CA361477686.

ClinVar aggregate classification (germline): Uncertain significance (1 of 4 stars; one submission).

gnomAD v4.1: 2 of 1,613,534 alleles (0.00012%); highest among the groups gnomAD compares: Non-Finnish European, 0.00017%; no homozygotes.

Submission:

Labcorp Genetics (formerly Invitae), Labcorp
Classification: Uncertain significance. Last evaluated: 2021-06-25. Review status: criteria provided, single submitter. Criteria: Invitae Variant Classification Sherloc (09022015). Collection method: clinical testing. Allele origin: germline.
Comment: In summary, the available evidence is currently insufficient to determine the role of this variant in disease. Therefore, it has been classified as a Variant of Uncertain Significance. This sequence change replaces glutamic acid with valine at codon 95 of the CTNNA1 protein (p.Glu95Val). The glutamic acid residue is highly conserved and there is a moderate physicochemical difference between glutamic acid and valine. This variant is not present in population databases (ExAC no frequency). This variant has not been reported in the literature in individuals with CTNNA1-related conditions. Algorithms developed to predict the effect of missense changes on protein structure and function are either unavailable or do not agree on the potential impact of this missense change (SIFT: "Deleterious"; PolyPhen-2: "Benign"; Align-GVGD: "Class C0").